The following is an entry in ClinVar:

ClinVar aggregate classification (germline): Likely benign. Review status: criteria provided, multiple submitters, no conflicts (2 of 4 stars). 6 submissions from 6 submitters: Likely benign (5). 1 of the submissions does not count toward it. Last evaluated 2026-04-10.

Conditions:
PPP1CB-related disorder. Also called: PPP1CB-related condition.
Cardiovascular phenotype. Identifiers: MedGen CN230736.

Allele frequency attached by ClinVar (database versions not stated): gnomAD 0.00004 and 0.00003; TOPMed 0.00001; ExAC 0.00002; gnomAD exomes 0.00002.
gnomAD v4.1: 33 of 1,583,490 alleles (0.0021%); highest among the groups gnomAD compares: Non-Finnish European, 0.0019%; no homozygotes.

Submissions (6):

Women's Health and Genetics/Laboratory Corporation of America, LabCorp
Classification: Likely benign. Last evaluated: 2026-04-10. Review status: criteria provided, single submitter. Criteria: LabCorp Variant Classification Summary - May 2015. Collection method: clinical testing. Allele origin: germline.

Labcorp Genetics (formerly Invitae), Labcorp
Classification: Likely benign. Last evaluated: 2025-10-02. Review status: criteria provided, single submitter. Criteria: Invitae Variant Classification Sherloc (09022015). Collection method: clinical testing. Allele origin: germline.

Laboratory of Genetics, Children's Clinical University Hospital Latvia
Classification: Likely benign. Last evaluated: 2025-02-16. Review status: criteria provided, single submitter. Criteria: ACMG Guidelines, 2015. Collection method: clinical testing. Allele origin: germline. Affected: yes.

Blueprint Genetics
Classification: Likely benign. Last evaluated: 2024-04-18. Review status: criteria provided, single submitter. Criteria: ACMG Guidelines, 2015. Collection method: clinical testing. Allele origin: germline.

Ambry Genetics
Classification: Likely benign for Cardiovascular phenotype. Last evaluated: 2019-09-16. Review status: criteria provided, single submitter. Criteria: Ambry Variant Classification Scheme 2023. Collection method: clinical testing. Allele origin: germline.

PreventionGenetics, part of Exact Sciences
Classification: Likely benign for PPP1CB-related condition. Last evaluated: 2020-09-08. Review status: no assertion criteria provided. Collection method: clinical testing. Allele origin: germline. Not counted in ClinVar's aggregate classification.
Comment: This variant is classified as likely benign based on ACMG/AMP sequence variant interpretation guidelines (Richards et al. 2015 PMID: 25741868, with internal and published modifications).

NM_002709.3(PPP1CB):c.198A>G (p.Gly66=)

Gene: PPP1CB (protein phosphatase 1 catalytic subunit beta; plus strand). Cytogenetic location: 2p23.2.
Variant type: single nucleotide variant.
Coding change: c.198A>G on transcript NM_002709.3 (MANE Select); coding-DNA position 198, A replaced by G.
Protein change: p.Gly66=; no amino-acid change (glycine 66 retained).
Molecular consequence: synonymous variant.
Genome position (GRCh38, 1-based): chr2:28,778,822, A>G. VCF-style: chr2-28778822-A-G. GRCh37 (hg19) VCF-style: chr2-29001688-A-G.
Other names: c.198A>G, p.Gly66= (NM_206876.2).
Identifiers: ClinVar variation 1664808 (VCV001664808.15), dbSNP rs780001620, ClinGen allele CA1589198.
Genomic context (GRCh38, chr2:28,778,822, plus strand): 5'-TTATAACAGTAACCAATTTTTCTAAAACTGACTCTTTCTCTTTTTAGGAGATATTCATGG[A>G]CAATATACAGATTTACTGAGATTATTTGAATATGGAGGTTTCCCACCAGAAGCCAACTAT-3'
Protein context (NP_002700.1, residues 56-76): APLKICGDIH[Gly66=]QYTDLLRLFE